The following is an entry in ClinVar:

NM_014476.6(PDLIM3):c.161G>A (p.Gly54Asp)

Gene: PDLIM3 (PDZ and LIM domain 3; minus strand). Cytogenetic location: 4q35.1.
Variant type: single nucleotide variant.
Coding change: c.161G>A on transcript NM_014476.6 (MANE Select); coding-DNA position 161, G replaced by A.
Protein change: p.Gly54Asp; replaces glycine 54 with aspartic acid.
Molecular consequence: missense variant. On other transcripts: non-coding transcript variant (1), intron variant (1).
Genome position (GRCh38, 1-based): chr4:185,525,104, C>T on the plus strand (G>A on the coding strand, the complement: PDLIM3 is on the minus strand). VCF-style: chr4-185525104-C-T. GRCh37 (hg19) VCF-style: chr4-186446258-C-T.
Other names: c.161G>A, p.Gly54Asp (NM_001114107.5, NM_001257962.2); c.93+10238G>A (NM_001257963.2); short protein forms G54D.
Identifiers: ClinVar variation 2046006 (VCV002046006.4), dbSNP rs2478427933, ClinGen allele CA358929234.

ClinVar aggregate classification (germline): Uncertain significance (1 of 4 stars; one submission).

Conditions:
Primary dilated cardiomyopathy (DCM). Also called: Dilated Cardiomyopathy. Identifiers: Orphanet 217604, MedGen C0007193, MeSH D002311, MONDO:0005021, HP:0001644. Inheritance: Various modes of inheritance.
Hypertrophic cardiomyopathy. Also called: HYPERTROPHIC MYOCARDIOPATHY. Identifiers: Orphanet 217569, MedGen C0007194, MeSH D002312, MONDO:0005045, HP:0001639.

Submission:

Labcorp Genetics (formerly Invitae), Labcorp
Classification: Uncertain significance for Hypertrophic cardiomyopathy; Primary dilated cardiomyopathy. Last evaluated: 2021-12-18. Review status: criteria provided, single submitter. Criteria: Invitae Variant Classification Sherloc (09022015). Collection method: clinical testing. Allele origin: germline.
Comment: This variant is not present in population databases (gnomAD no frequency). This sequence change replaces glycine, which is neutral and non-polar, with aspartic acid, which is acidic and polar, at codon 54 of the PDLIM3 protein (p.Gly54Asp). This variant has not been reported in the literature in individuals affected with PDLIM3-related conditions. Algorithms developed to predict the effect of missense changes on protein structure and function (SIFT, PolyPhen-2, Align-GVGD) all suggest that this variant is likely to be disruptive. In summary, the available evidence is currently insufficient to determine the role of this variant in disease. Therefore, it has been classified as a Variant of Uncertain Significance.